The following is an entry in ClinVar:

NM_001098.3(ACO2):c.2018A>G (p.His673Arg)

Genes: ACO2 (aconitase 2; plus strand), POLR3H (RNA polymerase III subunit H; minus strand). Cytogenetic location: 22q13.2.
Variant type: single nucleotide variant.
Coding change: c.2018A>G on transcript NM_001098.3 (MANE Select); coding-DNA position 2018, A replaced by G.
Protein change: p.His673Arg; replaces histidine 673 with arginine.
Molecular consequence: missense variant. On other transcripts: 3 prime UTR variant (5).
Genome position (GRCh38, 1-based): chr22:41,527,352, A>G. VCF-style: chr22-41527352-A-G. GRCh37 (hg19) VCF-style: chr22-41923356-A-G.
Other names: c.*1931T>C (NM_001018050.4, NM_001018052.4, NM_001282884.2 and 2 more transcripts); short protein forms H673R.
Identifiers: ClinVar variation 2090831 (VCV002090831.4), dbSNP rs2518240857, ClinGen allele CA411728928.

ClinVar aggregate classification (germline): Uncertain significance (1 of 4 stars; one submission).

Submission:

Labcorp Genetics (formerly Invitae), Labcorp
Classification: Uncertain significance. Last evaluated: 2022-05-03. Review status: criteria provided, single submitter. Criteria: Invitae Variant Classification Sherloc (09022015). Collection method: clinical testing. Allele origin: germline.
Comment: In summary, the available evidence is currently insufficient to determine the role of this variant in disease. Therefore, it has been classified as a Variant of Uncertain Significance. Advanced modeling of protein sequence and biophysical properties (such as structural, functional, and spatial information, amino acid conservation, physicochemical variation, residue mobility, and thermodynamic stability) performed at Invitae indicates that this missense variant is expected to disrupt ACO2 protein function. This variant has not been reported in the literature in individuals affected with ACO2-related conditions. This variant is not present in population databases (gnomAD no frequency). This sequence change replaces histidine, which is basic and polar, with arginine, which is basic and polar, at codon 673 of the ACO2 protein (p.His673Arg).